The following is an entry in ClinVar:

NM_024577.4(SH3TC2):c.658G>A (p.Val220Met)

Gene: SH3TC2 (SH3 domain and tetratricopeptide repeats 2; minus strand). Cytogenetic location: 5q32.
Variant type: single nucleotide variant.
Coding change: c.658G>A on transcript NM_024577.4 (MANE Select); coding-DNA position 658, G replaced by A.
Protein change: p.Val220Met; replaces valine 220 with methionine.
Molecular consequence: missense variant.
Genome position (GRCh38, 1-based): chr5:149,041,489, C>T on the plus strand (G>A on the coding strand, the complement: SH3TC2 is on the minus strand). VCF-style: chr5-149041489-C-T. GRCh37 (hg19) VCF-style: chr5-148421052-C-T.
Other names: c.658G>A (NM_024577.3); short protein forms V220M.
Identifiers: ClinVar variation 1523495 (VCV001523495.8), dbSNP rs1428903431, ClinGen allele CA361674415.
Genomic context (GRCh38, chr5:149,041,489, plus strand): 5'-GAGGCAGAGGCTCCAAGGCTGACACCAGTACCAGGCCCCGCTGACCTGTCACCAAAGACA[C>T]GCCTTCCAACTCGGAGCCAGCTTCTGCCATCTTCACTGAGATTAACTCATTCTTGCAAAG-3'
Protein context (NP_078853.2, residues 210-230): MAEAGSELEG[Val220Met]SLVTGQRGLV

ClinVar aggregate classification (germline): Conflicting classifications of pathogenicity. Review status: criteria provided, conflicting classifications (1 of 4 stars). 3 submissions from 3 submitters: Uncertain significance (2); Likely benign (1). Last evaluated 2025-10-17.

Conditions:
Inborn genetic diseases. Identifiers: MedGen C0950123, MeSH D030342.
SH3TC2-related disorder. Also called: SH3TC2-related condition; SH3TC2-related disorders. Identifiers: MedGen CN239303.
Charcot-Marie-Tooth disease type 4. Also called: Charcot-Marie-Tooth, Type 4; Charcot-Marie-Tooth disease, type IV. Identifiers: Orphanet 64749, MedGen C4082197, MONDO:0018995.

Allele frequency attached by ClinVar (database versions not stated): gnomAD 0.00001; gnomAD exomes 0.00001 and 0.00002; TOPMed 0.00002.
gnomAD v4.1: 17 of 1,614,042 alleles (0.0011%); highest among the groups gnomAD compares: South Asian, 0.0033%; no homozygotes.

Submissions (3):

PreventionGenetics, part of Exact Sciences
Classification: Uncertain significance for SH3TC2-related condition. Last evaluated: 2025-10-17. Review status: criteria provided, single submitter. Criteria: ACMG Guidelines, 2015. Collection method: clinical testing. Allele origin: germline.
Comment: The SH3TC2 c.658G>A variant is predicted to result in the amino acid substitution p.Val220Met. To our knowledge, this variant has not been reported in the literature. This variant is reported in 0.0080% of alleles in individuals of African descent in gnomAD. At this time, the clinical significance of this variant is uncertain due to the absence of conclusive functional and genetic evidence.

Labcorp Genetics (formerly Invitae), Labcorp
Classification: Likely benign for Charcot-Marie-Tooth disease type 4. Last evaluated: 2025-09-10. Review status: criteria provided, single submitter. Criteria: Invitae Variant Classification Sherloc (09022015). Collection method: clinical testing. Allele origin: germline.

Ambry Genetics
Classification: Uncertain significance for Inborn genetic diseases. Last evaluated: 2024-04-18. Review status: criteria provided, single submitter. Criteria: Ambry Variant Classification Scheme 2023. Collection method: clinical testing. Allele origin: germline.